The following is an entry in ClinVar:

ClinVar aggregate classification (germline): Uncertain significance (1 of 4 stars; one submission).

Conditions:
Hereditary sensory and autonomic neuropathy type 7. Also called: HSAN VII; Neuropathy, hereditary sensory and autonomic, type VII. Identifiers: Orphanet 391397, MedGen C3809882, MONDO:0014244, OMIM 615548.
Familial episodic pain syndrome with predominantly lower limb involvement. Also called: Episodic pain syndrome, familial, 3. Identifiers: Orphanet 391384, Orphanet 391392, MedGen C3809899, MONDO:0014247, OMIM 615552.

Submission:

Labcorp Genetics (formerly Invitae), Labcorp
Classification: Uncertain significance for Familial episodic pain syndrome with predominantly lower limb involvement; Hereditary sensory and autonomic neuropathy type 7. Last evaluated: 2019-10-25. Review status: criteria provided, single submitter. Criteria: Invitae Variant Classification Sherloc (09022015). Collection method: clinical testing. Allele origin: germline.
Comment: This sequence change replaces leucine with valine at codon 281 of the SCN11A protein (p.Leu281Val). The leucine residue is weakly conserved and there is a small physicochemical difference between leucine and valine. In summary, the available evidence is currently insufficient to determine the role of this variant in disease. Therefore, it has been classified as a Variant of Uncertain Significance. Algorithms developed to predict the effect of missense changes on protein structure and function (SIFT, PolyPhen-2, Align-GVGD) all suggest that this variant is likely to be tolerated, but these predictions have not been confirmed by published functional studies and their clinical significance is uncertain. This variant has not been reported in the literature in individuals with SCN11A-related conditions. This variant is not present in population databases (ExAC no frequency).

NM_001349253.2(SCN11A):c.841C>G (p.Leu281Val)

Gene: SCN11A (sodium voltage-gated channel alpha subunit 11; minus strand). Cytogenetic location: 3p22.2.
Variant type: single nucleotide variant.
Coding change: c.841C>G on transcript NM_001349253.2 (MANE Select); coding-DNA position 841, C replaced by G.
Protein change: p.Leu281Val; replaces leucine 281 with valine.
Molecular consequence: missense variant.
Genome position (GRCh38, 1-based): chr3:38,921,127, G>C on the plus strand (C>G on the coding strand, the complement: SCN11A is on the minus strand). VCF-style: chr3-38921127-G-C. GRCh37 (hg19) VCF-style: chr3-38962618-G-C.
Other names: c.841C>G, p.Leu281Val (NM_014139.3); short protein forms L281V.
Identifiers: ClinVar variation 968524 (VCV000968524.7), dbSNP rs2066043907, ClinGen allele CA352172070.
Genomic context (GRCh38, chr3:38,921,127, plus strand): 5'-GGTATTTACCATAAGCTTCCGGGTTACTGATATTTTTACAGTCCCTCGAGATGCATTTCA[G>C]GTTCAGACTTCCCATGAAGAGCTGCTGACCTACCAGGGCAAAGATGCTGAGGCAAAAGAA-3'
Protein context (NP_001336182.1, residues 271-291): GQQLFMGSLN[Leu281Val]KCISRDCKNI